The following is an entry in ClinVar:

ClinVar aggregate classification (germline): Conflicting classifications of pathogenicity. Review status: criteria provided, conflicting classifications (1 of 4 stars). 2 submissions from 2 submitters: Likely pathogenic (1); Uncertain significance (1). Last evaluated 2023-09-25.

Conditions:
Familial cancer of breast. Also called: Hereditary breast cancer; BREAST CANCER, FAMILIAL; hereditary breast carcinoma. Identifiers: Orphanet 227535, MedGen C0346153, MONDO:0016419, OMIM 114480. Disease mechanism: loss of function.

Submissions (2):

Baylor Genetics
Classification: Likely pathogenic for Familial cancer of breast. Last evaluated: 2023-09-25. Review status: criteria provided, single submitter. Criteria: ACMG Guidelines, 2015. Collection method: clinical testing. Allele origin: unknown.

Labcorp Genetics (formerly Invitae), Labcorp
Classification: Uncertain significance for Familial cancer of breast. Last evaluated: 2022-06-10. Review status: criteria provided, single submitter. Criteria: Invitae Variant Classification Sherloc (09022015). Collection method: clinical testing. Allele origin: germline.
Comment: This variant has not been reported in the literature in individuals affected with BARD1-related conditions. This variant is not present in population databases (gnomAD no frequency). This sequence change falls in intron 6 of the BARD1 gene. It does not directly change the encoded amino acid sequence of the BARD1 protein. It affects a nucleotide within the consensus splice site. Variants that disrupt the consensus splice site are a relatively common cause of aberrant splicing (PMID: 17576681, 9536098). Algorithms developed to predict the effect of sequence changes on RNA splicing suggest that this variant may disrupt the consensus splice site. In summary, the available evidence is currently insufficient to determine the role of this variant in disease. Therefore, it has been classified as a Variant of Uncertain Significance.

Literature cited by the submitters: PubMed 17576681 (cited by Labcorp Genetics (formerly Invitae), Labcorp); PubMed 9536098 (cited by Labcorp Genetics (formerly Invitae), Labcorp).

NM_000465.4(BARD1):c.1568+5G>A

Gene: BARD1 (BRCA1 associated RING domain 1; minus strand). Cytogenetic location: 2q35.
Variant type: single nucleotide variant.
Coding change: c.1568+5G>A on transcript NM_000465.4 (MANE Select); 5 bases into the intron after coding-DNA position 1568, G replaced by A.
Molecular consequence: intron variant.
Genome position (GRCh38, 1-based): chr2:214,767,477, C>T on the plus strand (G>A on the coding strand, the complement: BARD1 is on the minus strand). VCF-style: chr2-214767477-C-T. GRCh37 (hg19) VCF-style: chr2-215632201-C-T.
Other names: c.159-14922G>A (NM_001282548.2); c.1511+5G>A (NM_001282543.2); c.216-14922G>A (NM_001282545.2); c.364+24820G>A (NM_001282549.2).
Identifiers: ClinVar variation 2135622 (VCV002135622.5), dbSNP rs2106076108, ClinGen allele CA2580065592.
Genomic context (GRCh38, chr2:214,767,477, plus strand): 5'-ATCACACACCTTGATTCAAGAATATAGGTCCATTTTAAAAATAATTTTTACGTTGAACTA[C>T]TTACACAGCATTTCTGGAGGCTCCATAGGAAAGTAACAGCTTGACTATATCCACATGCCC-3'